The following is an entry in ClinVar:

NM_020778.5(ALPK3):c.3509C>G (p.Pro1170Arg)

Gene: ALPK3 (alpha kinase 3; plus strand). Cytogenetic location: 15q25.3.
Variant type: single nucleotide variant.
Coding change: c.3509C>G on transcript NM_020778.5 (MANE Select); coding-DNA position 3509, C replaced by G.
Protein change: p.Pro1170Arg; replaces proline 1170 with arginine.
Molecular consequence: missense variant.
Genome position (GRCh38, 1-based): chr15:84,858,247, C>G. VCF-style: chr15-84858247-C-G. GRCh37 (hg19) VCF-style: chr15-85401478-C-G.
Other names: short protein forms P1170R.
Identifiers: ClinVar variation 1443149 (VCV001443149.6), dbSNP rs1273597463, ClinGen allele CA393360404.

ClinVar aggregate classification (germline): Uncertain significance. Review status: criteria provided, multiple submitters, no conflicts (2 of 4 stars). 2 submissions from 2 submitters: Uncertain significance (2). Last evaluated 2025-11-17.

Submissions (2):

Labcorp Genetics (formerly Invitae), Labcorp
Classification: Uncertain significance. Last evaluated: 2025-11-17. Review status: criteria provided, single submitter. Criteria: Invitae Variant Classification Sherloc (09022015). Collection method: clinical testing. Allele origin: germline.
Comment: This sequence change replaces proline, which is neutral and non-polar, with arginine, which is basic and polar, at codon 1372 of the ALPK3 protein (p.Pro1372Arg). This variant is present in population databases (no rsID available, gnomAD 0.001%). This variant has not been reported in the literature in individuals affected with ALPK3-related conditions. ClinVar contains an entry for this variant (Variation ID: 1443149). Invitae Evidence Modeling of protein sequence and biophysical properties (such as structural, functional, and spatial information, amino acid conservation, physicochemical variation, residue mobility, and thermodynamic stability) indicates that this missense variant is expected to disrupt ALPK3 protein function with a positive predictive value of 80%. In summary, the available evidence is currently insufficient to determine the role of this variant in disease. Therefore, it has been classified as a Variant of Uncertain Significance.

GeneDx
Classification: Uncertain significance. Last evaluated: 2023-01-16. Review status: criteria provided, single submitter. Criteria: GeneDx Variant Classification Process June 2021. Collection method: clinical testing. Allele origin: germline. Affected: yes.
Comment: Not observed at significant frequency in large population cohorts (gnomAD); In silico analysis supports that this missense variant has a deleterious effect on protein structure/function; Has not been previously published as pathogenic or benign to our knowledge